The following is an entry in ClinVar:

ClinVar aggregate classification (germline): Pathogenic (1 of 4 stars; one submission).

Conditions:
Brody myopathy. Also called: BRODY DISEASE. Identifiers: Orphanet 53347, MedGen C1832918, MONDO:0010977, OMIM 601003.

Submission:

Labcorp Genetics (formerly Invitae), Labcorp
Classification: Pathogenic for Brody myopathy. Last evaluated: 2019-04-19. Review status: criteria provided, single submitter. Criteria: Invitae Variant Classification Sherloc (09022015). Collection method: clinical testing. Allele origin: germline.
Comment: A gross deletion of the genomic region encompassing the full coding sequence of the ATP2A1 gene has been identified. The boundaries of this event are unknown as the deletion extends beyond the assayed region for this gene and therefore may encompass additional genes. Isolated whole-gene deletions of ATP2A1 have not been reported in the literature. However, larger copy number events that include this gene have been reported (PMID: 17882224, 24707176). Loss-of-function variants in ATP2A1 are known to be pathogenic (PMID: 8841193, 10914677, 23911890). For these reasons, this variant has been classified as Pathogenic.

Literature cited by the submitters: PubMed 24707176; PubMed 17882224.

NC_000016.10:g.(?_28878661)_(28904215_?)del

Gene: ATP2A1 (ATPase sarcoplasmic/endoplasmic reticulum Ca2+ transporting 1; plus strand). Cytogenetic location: 16p11.2.
Variant type: Deletion.
Identifiers: ClinVar variation 831256 (VCV000831256.1).